The following is an entry in ClinVar:

ClinVar aggregate classification (germline): Uncertain significance (1 of 4 stars; one submission).

Conditions:
Catecholaminergic polymorphic ventricular tachycardia (CVPT). Also called: Catecholamine-induced polymorphic ventricular tachycardia. Identifiers: Orphanet 3286, MedGen C5574922, MONDO:0017990.

Allele frequency attached by ClinVar (database versions not stated): gnomAD exomes below 0.00001.
gnomAD v4.1: 1 of 1,613,886 alleles (0.000062%); highest among the groups gnomAD compares: Non-Finnish European, 0.000085%; no homozygotes.

Submission:

All of Us Research Program, National Institutes of Health
Classification: Uncertain significance for Catecholaminergic polymorphic ventricular tachycardia. Last evaluated: 2023-03-09. Review status: criteria provided, single submitter. Criteria: ACMG Guidelines, 2015. Collection method: clinical testing. Allele origin: germline. Inheritance: Autosomal dominant inheritance. Observed: 1 variant allele, 1 heterozygote.
Comment: This variant is located in the RYR2 protein. To our knowledge, functional studies have not been reported for this variant. This variant has not been reported in individuals affected with RYR2-related disorders in the literature. This variant has not been identified in the general population by the Genome Aggregation Database (gnomAD). The available evidence is insufficient to determine the role of this variant in disease conclusively. Therefore, this variant is classified as a Variant of Uncertain Significance.

This study involves interpretation of variants in research participants for the purpose of population health screening. Participant phenotype was not available at the time of variant classification. Additional details can be found in publication PMID: 35346344, PMCID: PMC8962531

NM_001035.3(RYR2):c.2172C>G (p.Ser724=)

Gene: RYR2 (ryanodine receptor 2; plus strand). Cytogenetic location: 1q43.
Variant type: single nucleotide variant.
Coding change: c.2172C>G on transcript NM_001035.3 (MANE Select); coding-DNA position 2172, C replaced by G.
Protein change: p.Ser724=; no amino-acid change (serine 724 retained).
Molecular consequence: synonymous variant.
Genome position (GRCh38, 1-based): chr1:237,496,721, C>G. VCF-style: chr1-237496721-C-G. GRCh37 (hg19) VCF-style: chr1-237660021-C-G.
Identifiers: ClinVar variation 3069797 (VCV003069797.1), dbSNP rs2545836963, ClinGen allele CA424030797.